The following is an entry in ClinVar:

ClinVar aggregate classification (germline): Benign/Likely benign. Review status: criteria provided, multiple submitters, no conflicts (2 of 4 stars). 5 submissions from 5 submitters: Benign (3); Likely benign (1). 1 of the submissions does not count toward it. Last evaluated 2026-02-03.

Conditions:
PTPN23-related disorder. Also called: PTPN23-related condition.

Allele frequency attached by ClinVar (database versions not stated): TOPMed 0.33972; 1000 Genomes Project 30x 0.34291; 1000 Genomes Project 0.34525; gnomAD 0.34529 and 0.34737; ESP Exome Variant Server 0.34815; gnomAD exomes 0.36277 and 0.38177; ExAC 0.37076.
gnomAD v4.1: 610,258 of 1,610,720 alleles (38%); highest among the groups gnomAD compares: Middle Eastern, 45%; 117,403 homozygotes.

Submissions (5):

Labcorp Genetics (formerly Invitae), Labcorp
Classification: Benign. Last evaluated: 2026-02-03. Review status: criteria provided, single submitter. Criteria: Invitae Variant Classification Sherloc (09022015). Collection method: clinical testing. Allele origin: germline.

Blueprint Genetics
Classification: Likely benign. Last evaluated: 2024-11-26. Review status: criteria provided, single submitter. Criteria: ACMG Guidelines, 2015. Collection method: clinical testing. Allele origin: germline.

GeneDx
Classification: Benign. Last evaluated: 2021-09-08. Review status: criteria provided, single submitter. Criteria: GeneDx Variant Classification Process June 2021. Collection method: clinical testing. Allele origin: germline. Affected: yes.

Breakthrough Genomics
Classification: Benign. Review status: criteria provided, single submitter. Criteria: ACMG Guidelines, 2015. Collection method: not provided. Allele origin: germline. Inheritance: Autosomal recessive inheritance. Affected: yes.

PreventionGenetics, part of Exact Sciences
Classification: Benign for PTPN23-related condition. Last evaluated: 2019-10-17. Review status: no assertion criteria provided. Collection method: clinical testing. Allele origin: germline. Not counted in ClinVar's aggregate classification.
Comment: This variant is classified as benign based on ACMG/AMP sequence variant interpretation guidelines (Richards et al. 2015 PMID: 25741868, with internal and published modifications).

NM_015466.4(PTPN23):c.2830G>A (p.Ala944Thr)

Gene: PTPN23 (protein tyrosine phosphatase non-receptor type 23; plus strand). Cytogenetic location: 3p21.31.
Variant type: single nucleotide variant.
Coding change: c.2830G>A on transcript NM_015466.4 (MANE Select); coding-DNA position 2830, G replaced by A.
Protein change: p.Ala944Thr; replaces alanine 944 with threonine.
Molecular consequence: missense variant.
Genome position (GRCh38, 1-based): chr3:47,410,628, G>A. VCF-style: chr3-47410628-G-A. GRCh37 (hg19) VCF-style: chr3-47452118-G-A.
Other names: c.2830G>A (NM_015466.3); c.2452G>A, p.Ala818Thr (NM_001304482.2); short protein forms A818T, A944T.
Identifiers: ClinVar variation 1254337 (VCV001254337.14), dbSNP rs6780013, ClinGen allele CA2366131.